The following is an entry in ClinVar:

ClinVar aggregate classification (germline): Uncertain significance. Review status: criteria provided, multiple submitters, no conflicts (2 of 4 stars). 4 submissions from 3 submitters: Uncertain significance (4). Last evaluated 2023-02-08.

Conditions:
Inborn genetic diseases. Identifiers: MedGen C0950123, MeSH D030342.
Familial cutaneous telangiectasia and oropharyngeal predisposition cancer syndrome. Identifiers: Orphanet 313846, MedGen C3281203, MONDO:0013806, OMIM 614564.
Seckel syndrome 1 (SCKL1). Also called: MICROCEPHALIC PRIMORDIAL DWARFISM I. Identifiers: Orphanet 808, MedGen C4551474, MONDO:0008869, OMIM 210600.

Allele frequency attached by ClinVar (database versions not stated): gnomAD exomes below 0.00001.
gnomAD v4.1: 2 of 1,614,030 alleles (0.00012%); highest among the groups gnomAD compares: Non-Finnish European, 0.00017%; no homozygotes.

Submissions (4):

Genome-Nilou Lab
Classification: Uncertain significance for Seckel syndrome 1. Last evaluated: 2023-02-08. Review status: criteria provided, single submitter. Criteria: ACMG Guidelines, 2015. Collection method: clinical testing. Allele origin: germline.

Genome-Nilou Lab
Classification: Uncertain significance for Familial cutaneous telangiectasia and oropharyngeal predisposition cancer syndrome. Last evaluated: 2023-02-08. Review status: criteria provided, single submitter. Criteria: ACMG Guidelines, 2015. Collection method: clinical testing. Allele origin: germline.

Ambry Genetics
Classification: Uncertain significance for Inborn genetic diseases. Last evaluated: 2022-07-30. Review status: criteria provided, single submitter. Criteria: Ambry Variant Classification Scheme 2023. Collection method: clinical testing. Allele origin: germline.
Comment: The p.P315A variant (also known as c.943C>G), located in coding exon 4 of the ATR gene, results from a C to G substitution at nucleotide position 943. The proline at codon 315 is replaced by alanine, an amino acid with highly similar properties. This amino acid position is conserved. In addition, the in silico prediction for this alteration is inconclusive. Since supporting evidence is limited at this time, the clinical significance of this alteration remains unclear.

Labcorp Genetics (formerly Invitae), Labcorp
Classification: Uncertain significance. Last evaluated: 2021-02-23. Review status: criteria provided, single submitter. Criteria: Invitae Variant Classification Sherloc (09022015). Collection method: clinical testing. Allele origin: germline.
Comment: In summary, the available evidence is currently insufficient to determine the role of this variant in disease. Therefore, it has been classified as a Variant of Uncertain Significance. Algorithms developed to predict the effect of missense changes on protein structure and function (SIFT, PolyPhen-2, Align-GVGD) all suggest that this variant is likely to be tolerated, but these predictions have not been confirmed by published functional studies and their clinical significance is uncertain. This variant has not been reported in the literature in individuals with ATR-related conditions. This variant is not present in population databases (ExAC no frequency). This sequence change replaces proline with alanine at codon 315 of the ATR protein (p.Pro315Ala). The proline residue is moderately conserved and there is a small physicochemical difference between proline and alanine.

NM_001184.4(ATR):c.943C>G (p.Pro315Ala)

Gene: ATR (ATR checkpoint kinase; minus strand). Cytogenetic location: 3q23.
Variant type: single nucleotide variant.
Coding change: c.943C>G on transcript NM_001184.4 (MANE Select); coding-DNA position 943, C replaced by G.
Protein change: p.Pro315Ala; replaces proline 315 with alanine.
Molecular consequence: missense variant.
Genome position (GRCh38, 1-based): chr3:142,562,459, G>C on the plus strand (C>G on the coding strand, the complement: ATR is on the minus strand). VCF-style: chr3-142562459-G-C. GRCh37 (hg19) VCF-style: chr3-142281301-G-C.
Other names: c.943C>G, p.Pro315Ala (NM_001354579.2); short protein forms P315A.
Identifiers: ClinVar variation 1476105 (VCV001476105.10), dbSNP rs2034917114, ClinGen allele CA354824491.
Genomic context (GRCh38, chr3:142,562,459, plus strand): 5'-TGAGCACACCGTCTTCAAACATGACACAGAGTTTTTCCAGCAGCATATTTAAATAGACAG[G>C]TTCAATATTTCTATAAGCTTCTGCTTCAAAGGGAAATAGTGTCTTTATCAGCTTTGATAA-3'
Protein context (NP_001175.2, residues 305-325): FEAEAYRNIE[Pro315Ala]VYLNMLLEKL